The following is an entry in ClinVar:

NM_005475.3(SH2B3):c.1363G>C (p.Asp455His)

Gene: SH2B3 (SH2B adaptor protein 3; plus strand). Cytogenetic location: 12q24.12.
Variant type: single nucleotide variant.
Coding change: c.1363G>C on transcript NM_005475.3 (MANE Select); coding-DNA position 1363, G replaced by C.
Protein change: p.Asp455His; replaces aspartic acid 455 with histidine.
Molecular consequence: missense variant.
Genome position (GRCh38, 1-based): chr12:111,447,782, G>C. VCF-style: chr12-111447782-G-C. GRCh37 (hg19) VCF-style: chr12-111885586-G-C.
Other names: c.757G>C, p.Asp253His (NM_001291424.1); short protein forms D253H, D455H.
Identifiers: ClinVar variation 3795066 (VCV003795066.1).
Genomic context (GRCh38, chr12:111,447,782, plus strand): 5'-GTGGACATGCTCCACCACTTCCAGCGCTCGCCCATCCCACTCGAGTGCGGCGCCGCCTGT[G>C]ATGTCCGGCTCTCCAGCTACGTGGTAGTCGTCTCCCAACCACCAGGTCTGACCCTACTGC-3'
Protein context (NP_005466.1, residues 445-465): PIPLECGAAC[Asp455His]VRLSSYVVVV

ClinVar aggregate classification (germline): Uncertain significance (1 of 4 stars; one submission).

Conditions:
Inborn genetic diseases. Identifiers: MedGen C0950123, MeSH D030342.

gnomAD v4.1: 2 of 1,614,182 alleles (0.00012%); highest among the groups gnomAD compares: Middle Eastern, 0.033%; no homozygotes.

Submission:

Ambry Genetics
Classification: Uncertain significance for Inborn genetic diseases. Last evaluated: 2025-01-03. Review status: criteria provided, single submitter. Criteria: Ambry Variant Classification Scheme 2023. Collection method: clinical testing. Allele origin: germline.
Comment: The p.D455H variant (also known as c.1363G>C), located in coding exon 6 of the SH2B3 gene, results from a G to C substitution at nucleotide position 1363. The aspartic acid at codon 455 is replaced by histidine, an amino acid with similar properties. This amino acid position is conserved. In addition, the in silico prediction for this alteration is inconclusive. Based on the available evidence, the clinical significance of this variant remains unclear.